The following is an entry in ClinVar:

NM_001364905.1(LRBA):c.3497A>G (p.Gln1166Arg)

Gene: LRBA (LPS responsive beige-like anchor protein; minus strand). Cytogenetic location: 4q31.3.
Variant type: single nucleotide variant.
Coding change: c.3497A>G on transcript NM_001364905.1 (MANE Select); coding-DNA position 3497, A replaced by G.
Protein change: p.Gln1166Arg; replaces glutamine 1166 with arginine.
Molecular consequence: missense variant.
Genome position (GRCh38, 1-based): chr4:150,852,213, T>C on the plus strand (A>G on the coding strand, the complement: LRBA is on the minus strand). VCF-style: chr4-150852213-T-C. GRCh37 (hg19) VCF-style: chr4-151773365-T-C.
Other names: c.3497A>G, p.Gln1166Arg (NM_001199282.3, NM_001367550.1, NM_006726.5); short protein forms Q1166R.
Identifiers: ClinVar variation 1060696 (VCV001060696.10), dbSNP rs2126921019, ClinGen allele CA358456917.

ClinVar aggregate classification (germline): Uncertain significance. Review status: criteria provided, multiple submitters, no conflicts (2 of 4 stars). 2 submissions from 2 submitters: Uncertain significance (2). Last evaluated 2022-07-12.

Conditions:
Combined immunodeficiency due to LRBA deficiency. Also called: Common variable immunodeficiency 8, with autoimmunity. Identifiers: Orphanet 445018, MedGen C3553512, MONDO:0013863, OMIM 614700.

Submissions (2):

Labcorp Genetics (formerly Invitae), Labcorp
Classification: Uncertain significance for Combined immunodeficiency due to LRBA deficiency. Last evaluated: 2022-07-12. Review status: criteria provided, single submitter. Criteria: Invitae Variant Classification Sherloc (09022015). Collection method: clinical testing. Allele origin: germline.
Comment: In summary, the available evidence is currently insufficient to determine the role of this variant in disease. Therefore, it has been classified as a Variant of Uncertain Significance. Algorithms developed to predict the effect of missense changes on protein structure and function (SIFT, PolyPhen-2, Align-GVGD) all suggest that this variant is likely to be tolerated. ClinVar contains an entry for this variant (Variation ID: 1060696). This variant has not been reported in the literature in individuals affected with LRBA-related conditions. This variant is not present in population databases (gnomAD no frequency). This sequence change replaces glutamine, which is neutral and polar, with arginine, which is basic and polar, at codon 1166 of the LRBA protein (p.Gln1166Arg).

Breakthrough Genomics
Classification: Uncertain significance. Review status: criteria provided, single submitter. Criteria: ACMG Guidelines, 2015. Collection method: not provided. Allele origin: germline. Inheritance: Autosomal recessive inheritance. Affected: yes.